The following is an entry in ClinVar:

NM_014112.5(TRPS1):c.3584A>G (p.Lys1195Arg)

Gene: TRPS1 (transcriptional repressor GATA binding 1; minus strand). Cytogenetic location: 8q23.3.
Variant type: single nucleotide variant.
Coding change: c.3584A>G on transcript NM_014112.5 (MANE Select); coding-DNA position 3584, A replaced by G.
Protein change: p.Lys1195Arg; replaces lysine 1195 with arginine.
Molecular consequence: missense variant.
Genome position (GRCh38, 1-based): chr8:115,414,324, T>C on the plus strand (A>G on the coding strand, the complement: TRPS1 is on the minus strand). VCF-style: chr8-115414324-T-C. GRCh37 (hg19) VCF-style: chr8-116426552-T-C.
Other names: c.3557A>G, p.Lys1186Arg (NM_001282902.3); c.3563A>G, p.Lys1188Arg (NM_001282903.3); c.3545A>G, p.Lys1182Arg (NM_001330599.2); short protein forms K1182R, K1186R, K1188R, K1195R.
Identifiers: ClinVar variation 2414624 (VCV002414624.5), dbSNP rs552263037, ClinGen allele CA184469374.
Genomic context (GRCh38, chr8:115,414,324, plus strand): 5'-GTTTTTACTACATTCAAGGGACCTTCATTTTTTACATTTGGTGGTGCCTTCGTTTTCTCC[T>C]TGGAGGCACCGTTTGCAGTTGGCCCAGGTCTGGAATGCTTGATCGCCAAATCTAGAGGAA-3'
Protein context (NP_054831.2, residues 1185-1205): RPGPTANGAS[Lys1195Arg]EKTKAPPNVK

ClinVar aggregate classification (germline): Uncertain significance (1 of 4 stars; one submission).

Conditions:
Trichorhinophalangeal dysplasia type I (TRPS1). Also called: TRICHORHINOPHALANGEAL SYNDROME, TYPE I; TRPS I. Identifiers: Orphanet 77258, MedGen C0432233, MONDO:0008596, OMIM 190350.
Trichorhinophalangeal syndrome, type III (TRPS3). Also called: SUGIO-KAJII SYNDROME. Identifiers: Orphanet 77258, MedGen C1860823, OMIM 190351, MONDO:0008597.

Allele frequency attached by ClinVar (database versions not stated): gnomAD exomes below 0.00001.
gnomAD v4.1: 6 of 1,613,990 alleles (0.00037%); highest among the groups gnomAD compares: African/African-American, 0.0013%; no homozygotes.

Submission:

Labcorp Genetics (formerly Invitae), Labcorp
Classification: Uncertain significance for Trichorhinophalangeal syndrome, type III; Trichorhinophalangeal dysplasia type I. Last evaluated: 2025-05-27. Review status: criteria provided, single submitter. Criteria: Invitae Variant Classification Sherloc (09022015). Collection method: clinical testing. Allele origin: germline.
Comment: This sequence change replaces lysine, which is basic and polar, with arginine, which is basic and polar, at codon 1195 of the TRPS1 protein (p.Lys1195Arg). This variant is not present in population databases (gnomAD no frequency). This variant has not been reported in the literature in individuals affected with TRPS1-related conditions. ClinVar contains an entry for this variant (Variation ID: 2414624). Invitae Evidence Modeling of protein sequence and biophysical properties (such as structural, functional, and spatial information, amino acid conservation, physicochemical variation, residue mobility, and thermodynamic stability) indicates that this missense variant is not expected to disrupt TRPS1 protein function with a negative predictive value of 80%. In summary, the available evidence is currently insufficient to determine the role of this variant in disease. Therefore, it has been classified as a Variant of Uncertain Significance.